The following is an entry in ClinVar:

NM_004369.4(COL6A3):c.3576C>T (p.Arg1192=)

Gene: COL6A3 (collagen type VI alpha 3 chain; minus strand). Cytogenetic location: 2q37.3.
Variant type: single nucleotide variant.
Coding change: c.3576C>T on transcript NM_004369.4 (MANE Select); coding-DNA position 3576, C replaced by T.
Protein change: p.Arg1192=; no amino-acid change (arginine 1192 retained).
Molecular consequence: synonymous variant.
Genome position (GRCh38, 1-based): chr2:237,374,515, G>A on the plus strand (C>T on the coding strand, the complement: COL6A3 is on the minus strand). VCF-style: chr2-237374515-G-A. GRCh37 (hg19) VCF-style: chr2-238283158-G-A.
Other names: c.2355C>T, p.Arg785= (NM_057164.5); c.2958C>T, p.Arg986= (NM_057165.5, NM_057167.4); c.1755C>T, p.Arg585= (NM_057166.5).
Identifiers: ClinVar variation 706606 (VCV000706606.10), dbSNP rs201942049, ClinGen allele CA2189140.

ClinVar aggregate classification (germline): Benign. Review status: criteria provided, single submitter (1 of 4 stars). 2 submissions from 2 submitters: Benign (1). 1 of the submissions does not count toward it. Last evaluated 2025-04-03.

Conditions:
Bethlem myopathy 1A. Also called: MYOPATHY, BENIGN CONGENITAL, WITH CONTRACTURES; Bethlem Muscular Dystrophy; Bethlem myopathy 1. Identifiers: Orphanet 610, MedGen CN029274, MONDO:0024530, OMIM 158810.
COL6A3-related disorder. Also called: COL6A3-related disorders; COL6A3-related condition.

Allele frequency attached by ClinVar (database versions not stated): ExAC 0.00002; gnomAD 0.00003 and 0.00004; gnomAD exomes 0.00003; TOPMed 0.00004.
gnomAD v4.1: 44 of 1,614,062 alleles (0.0027%); highest among the groups gnomAD compares: Middle Eastern, 0.066%; no homozygotes.

Submissions (2):

Labcorp Genetics (formerly Invitae), Labcorp
Classification: Benign for Bethlem myopathy 1A. Last evaluated: 2025-04-03. Review status: criteria provided, single submitter. Criteria: Invitae Variant Classification Sherloc (09022015). Collection method: clinical testing. Allele origin: germline.

PreventionGenetics, part of Exact Sciences
Classification: Likely benign for COL6A3-related condition. Last evaluated: 2021-03-24. Review status: no assertion criteria provided. Collection method: clinical testing. Allele origin: germline. Not counted in ClinVar's aggregate classification.
Comment: This variant is classified as likely benign based on ACMG/AMP sequence variant interpretation guidelines (Richards et al. 2015 PMID: 25741868, with internal and published modifications).